The following is an entry in ClinVar:

NM_005419.4(STAT2):c.2543C>T (p.Pro848Leu)

Gene: STAT2 (signal transducer and activator of transcription 2; minus strand). Cytogenetic location: 12q13.3.
Variant type: single nucleotide variant.
Coding change: c.2543C>T on transcript NM_005419.4 (MANE Select); coding-DNA position 2543, C replaced by T.
Protein change: p.Pro848Leu; replaces proline 848 with leucine.
Molecular consequence: missense variant. On other transcripts: 3 prime UTR variant (1).
Genome position (GRCh38, 1-based): chr12:56,343,402, G>A on the plus strand (C>T on the coding strand, the complement: STAT2 is on the minus strand). VCF-style: chr12-56343402-G-A. GRCh37 (hg19) VCF-style: chr12-56737186-G-A.
Other names: c.2510C>T, p.Pro837Leu (NM_001385110.1); c.2444C>T, p.Pro815Leu (NM_001385111.1); c.*112C>T (NM_001385113.1); c.2522C>T, p.Pro841Leu (NM_001385114.1); c.2501C>T, p.Pro834Leu (NM_001385115.1); c.2531C>T, p.Pro844Leu (NM_198332.2); short protein forms P841L, P834L, P844L, P815L, P837L, P848L.
Identifiers: ClinVar variation 1519516 (VCV001519516.6), dbSNP rs2136031620, ClinGen allele CA385258376.

ClinVar aggregate classification (germline): Uncertain significance (1 of 4 stars; one submission).

Conditions:
Primary immunodeficiency with post-measles-mumps-rubella vaccine viral infection. Also called: Immunodeficiency 44. Identifiers: Orphanet 431166, MedGen C4225260, MONDO:0014715, OMIM 616636.

Allele frequency attached by ClinVar (database versions not stated): gnomAD exomes below 0.00001.
gnomAD v4.1: 1 of 1,613,696 alleles (0.000062%); highest among the groups gnomAD compares: South Asian, 0.0011%; no homozygotes.

Submission:

Labcorp Genetics (formerly Invitae), Labcorp
Classification: Uncertain significance for Primary immunodeficiency with post-measles-mumps-rubella vaccine viral infection. Last evaluated: 2021-12-09. Review status: criteria provided, single submitter. Criteria: Invitae Variant Classification Sherloc (09022015). Collection method: clinical testing. Allele origin: germline.
Comment: This sequence change replaces proline, which is neutral and non-polar, with leucine, which is neutral and non-polar, at codon 848 of the STAT2 protein (p.Pro848Leu). This variant is not present in population databases (gnomAD no frequency). This variant has not been reported in the literature in individuals affected with STAT2-related conditions. Algorithms developed to predict the effect of missense changes on protein structure and function are either unavailable or do not agree on the potential impact of this missense change (SIFT: "Tolerated"; PolyPhen-2: "Probably Damaging"; Align-GVGD: "Class C0"). In summary, the available evidence is currently insufficient to determine the role of this variant in disease. Therefore, it has been classified as a Variant of Uncertain Significance.